The following is an entry in ClinVar:

ClinVar aggregate classification (germline): Likely benign (1 of 4 stars; one submission).

gnomAD v4.1: 148 of 1,613,876 alleles (0.0092%); highest among the groups gnomAD compares: Non-Finnish European, 0.011%; no homozygotes.

Submission:

CeGaT Center for Human Genetics Tuebingen
Classification: Likely benign. Last evaluated: 2026-09-01. Review status: criteria provided, single submitter. Criteria: CeGaT Center For Human Genetics Tuebingen Variant Classification Criteria Version 2. Collection method: clinical testing. Allele origin: germline. Affected: yes. Observed: 1 variant allele.
Comment: ANGPT2: BP4, BP7

NM_001118887.2(ANGPT2):c.993C>T (p.Ser331=)

Genes: ANGPT2 (angiopoietin 2; minus strand), MCPH1 (microcephalin 1; plus strand). Cytogenetic location: 8p23.1.
Variant type: single nucleotide variant.
Coding change: c.993C>T on transcript NM_001118887.2 (MANE Select); coding-DNA position 993, C replaced by T.
Protein change: p.Ser331=; no amino-acid change (serine 331 retained).
Molecular consequence: synonymous variant. On other transcripts: intron variant (6).
Genome position (GRCh38, 1-based): chr8:6,514,713, G>A on the plus strand (C>T on the coding strand, the complement: ANGPT2 is on the minus strand). VCF-style: chr8-6514713-G-A. GRCh37 (hg19) VCF-style: chr8-6372234-G-A.
Other names: c.840C>T, p.Ser280= (NM_001118888.2); c.996C>T, p.Ser332= (NM_001147.3, NM_001386336.1); c.837C>T, p.Ser279= (NM_001386335.1); c.993C>T, p.Ser331= (NM_001386337.1); c.2214+14784G>A (NM_001322042.2, NM_024596.5, NM_001363979.1 and 2 more transcripts); c.1935+59461G>A (NM_001363980.2).
Identifiers: ClinVar variation 5041005 (VCV005041005.1).